The following is an entry in ClinVar:

NM_015030.2(FRYL):c.4633+6_4633+7insATAT

Gene: FRYL (FRY like transcription coactivator; minus strand). Cytogenetic location: 4p11.
Variant type: Microsatellite.
Coding change: c.4633+6_4633+7insATAT on transcript NM_015030.2 (MANE Select); bases 6 to 7 of the intron after coding-DNA position 4633, ATAT inserted.
Molecular consequence: intron variant.
Genome position: GRCh38 VCF-style: chr4-48550585-T-TTATA. GRCh37 (hg19) VCF-style: chr4-48552602-T-TTATA.
Identifiers: ClinVar variation 3906680 (VCV003906680.1).

ClinVar aggregate classification (germline): Uncertain significance (1 of 4 stars; one submission).

Submission:

GeneDx
Classification: Uncertain significance. Last evaluated: 2024-12-14. Review status: criteria provided, single submitter. Criteria: GeneDx Variant Classification Process June 2021. Collection method: clinical testing. Allele origin: germline. Affected: yes.
Comment: Not observed at significant frequency in large population cohorts (gnomAD); Has not been previously published as pathogenic or benign to our knowledge; In silico analysis is inconclusive as to whether the variant alters gene splicing. In the absence of RNA/functional studies, the actual effect of this sequence change is unknown.